The following is an entry in ClinVar:

NM_001242896.3(DEPDC5):c.813C>T (p.Leu271=)

Gene: DEPDC5 (DEP domain containing 5, GATOR1 subcomplex subunit; plus strand). Cytogenetic location: 22q12.2.
Variant type: single nucleotide variant.
Coding change: c.813C>T on transcript NM_001242896.3 (MANE Select); coding-DNA position 813, C replaced by T.
Protein change: p.Leu271=; no amino-acid change (leucine 271 retained).
Molecular consequence: synonymous variant. On other transcripts: non-coding transcript variant (5).
Genome position (GRCh38, 1-based): chr22:31,797,645, C>T. VCF-style: chr22-31797645-C-T. GRCh37 (hg19) VCF-style: chr22-32193631-C-T.
Other names: c.813C>T, p.Leu271= (NM_001007188.4, NM_001136029.4, NM_001242897.2 and 7 more transcripts); c.729C>T, p.Leu243= (NM_001369901.1, NM_001369902.1).
Identifiers: ClinVar variation 534825 (VCV000534825.32), dbSNP rs200547310, ClinGen allele CA10196120.

ClinVar aggregate classification (germline): Likely benign. Review status: criteria provided, multiple submitters, no conflicts (2 of 4 stars). 2 submissions from 2 submitters: Likely benign (2). Last evaluated 2025-06-02.

Conditions:
Familial focal epilepsy with variable foci (FPEVF). Identifiers: Orphanet 98820, MedGen C1858477, MONDO:0020310.

Allele frequency attached by ClinVar (database versions not stated): TOPMed 0.00003; gnomAD exomes 0.00006 and 0.00003; ExAC 0.00007; 1000 Genomes Project 30x 0.00016; 1000 Genomes Project 0.00020; gnomAD 0.00003.
gnomAD v4.1: 51 of 1,614,008 alleles (0.0032%); highest among the groups gnomAD compares: Non-Finnish European, 0.0035%; no homozygotes.

Submissions (2):

Labcorp Genetics (formerly Invitae), Labcorp
Classification: Likely benign for Familial focal epilepsy with variable foci. Last evaluated: 2025-06-02. Review status: criteria provided, single submitter. Criteria: Invitae Variant Classification Sherloc (09022015). Collection method: clinical testing. Allele origin: germline.

CeGaT Center for Human Genetics Tuebingen
Classification: Likely benign. Last evaluated: 2024-03-01. Review status: criteria provided, single submitter. Criteria: CeGaT Center For Human Genetics Tuebingen Variant Classification Criteria Version 2. Collection method: clinical testing. Allele origin: germline. Affected: yes. Observed: 1 variant allele.
Comment: DEPDC5: BP4, BP7